The following is an entry in ClinVar:

NM_000384.3(APOB):c.13560G>T (p.Leu4520Phe)

Gene: APOB (apolipoprotein B; minus strand). Cytogenetic location: 2p24.1.
Variant type: single nucleotide variant.
Coding change: c.13560G>T on transcript NM_000384.3 (MANE Select); coding-DNA position 13560, G replaced by T.
Protein change: p.Leu4520Phe; replaces leucine 4520 with phenylalanine.
Molecular consequence: missense variant.
Genome position (GRCh38, 1-based): chr2:21,001,862, C>A on the plus strand (G>T on the coding strand, the complement: APOB is on the minus strand). VCF-style: chr2-21001862-C-A. GRCh37 (hg19) VCF-style: chr2-21224734-C-A.
Other names: short protein forms L4520F.
Identifiers: ClinVar variation 5027948 (VCV005027948.1).
Genomic context (GRCh38, chr2:21,001,862, plus strand): 5'-TTTCAGTAACTCCGTGATGTATATCAGAAATGTGTGGTAGTTTTGAATGGACAGGTCAAT[C>A]AATCTTTTGGATTCAGCAATAAATTTTTCATAGTAATCAGAGAGTTGGTCTGAAAAATCT-3'
Protein context (NP_000375.3, residues 4510-4530): YEKFIAESKR[Leu4520Phe]IDLSIQNYHT

ClinVar aggregate classification (germline): Uncertain significance (1 of 4 stars; one submission).

Conditions:
Cardiovascular phenotype. Identifiers: MedGen CN230736.

gnomAD v4.1: 2 of 1,614,010 alleles (0.00012%); highest among the groups gnomAD compares: Non-Finnish European, 0.00017%; no homozygotes.

Submission:

Ambry Genetics
Classification: Uncertain significance for Cardiovascular phenotype. Last evaluated: 2026-08-29. Review status: criteria provided, single submitter. Criteria: Ambry Variant Classification Scheme 2023. Collection method: clinical testing. Allele origin: germline.
Comment: The p.L4520F variant (also known as c.13560G>T), located in coding exon 29 of the APOB gene, results from a G to T substitution at nucleotide position 13560. The leucine at codon 4520 is replaced by phenylalanine, an amino acid with highly similar properties. This amino acid position is conserved. In addition, this alteration is predicted to be tolerated by in silico analysis. Based on the available evidence, the clinical significance of this variant remains unclear.